The following is an entry in ClinVar:

NM_000053.4(ATP7B):c.4077G>T (p.Met1359Ile)

Gene: ATP7B (ATPase copper transporting beta; minus strand). Cytogenetic location: 13q14.3.
Variant type: single nucleotide variant.
Coding change: c.4077G>T on transcript NM_000053.4 (MANE Select); coding-DNA position 4077, G replaced by T.
Protein change: p.Met1359Ile; replaces methionine 1359 with isoleucine.
Molecular consequence: missense variant.
Genome position (GRCh38, 1-based): chr13:51,935,640, C>A on the plus strand (G>T on the coding strand, the complement: ATP7B is on the minus strand). VCF-style: chr13-51935640-C-A. GRCh37 (hg19) VCF-style: chr13-52509776-C-A.
Other names: p.Met1359Ile; c.3456G>T, p.Met1152Ile (NM_001005918.3); c.3744G>T, p.Met1248Ile (NM_001243182.2); c.3843G>T, p.Met1281Ile (NM_001330578.2); c.3825G>T, p.Met1275Ile (NM_001330579.2); short protein forms M1152I, M1275I, M1281I, M1359I, M1248I.
Identifiers: ClinVar variation 649306 (VCV000649306.16), dbSNP rs759551693, ClinGen allele CA6988496.

ClinVar aggregate classification (germline): Conflicting classifications of pathogenicity. Review status: criteria provided, conflicting classifications (1 of 4 stars). 7 submissions from 7 submitters: Likely pathogenic (3); Uncertain significance (4). Last evaluated 2025-07-22.

Conditions:
Wilson disease (WND). Also called: Wilson's disease. Identifiers: Orphanet 905, MedGen C0019202, MONDO:0010200, OMIM 277900. Disease mechanism: loss of function.

Allele frequency attached by ClinVar (database versions not stated): gnomAD 0.00001; TOPMed 0.00001; ExAC 0.00002.

Submissions (7):

Natera, Inc.
Classification: Likely pathogenic for Wilson disease. Last evaluated: 2025-07-22. Review status: criteria provided, single submitter. Criteria: Natera Variant Classification Schema (03/2026). Collection method: clinical testing. Allele origin: germline.
Comment: The c.4077G>T variant in ATP7B is a missense variant predicted to cause substitution of methionine to isoleucine at amino acid 1359. This variant is rare in the general population with a frequency below the threshold expected for the associated phenotype(s). This variant has been observed in one or more individuals affected with the associated recessive disease, as either homozygous or compound heterozygous with a second variant (PMID: 33640437). A different variant at the same position has been determined to be Pathogenic or Likely Pathogenic. Computational prediction algorithms indicate this variant is likely to affect gene or protein function. Given the available evidence, this variant is classified as Likely Pathogenic.

Color Diagnostics, LLC DBA Color Health
Classification: Uncertain significance for Wilson disease. Last evaluated: 2025-06-12. Review status: criteria provided, single submitter. Criteria: ACMG Guidelines, 2015. Collection method: clinical testing. Allele origin: germline.
Comment: This missense variant replaces methionine with isoleucine at codon 1359 of the ATP7B protein. Computational prediction suggests that this variant may have deleterious impact on protein structure and function. This variant alters a conserved methionine residue in a transmembrane domain of the ATP7B protein (a.a. 1352 - 1375), a highly conserved region that is considered to be important for ATP7B protein function (PMID: 35245129ClinVar). To our knowledge, functional studies have not been reported for this variant. This variant has been reported in an individual affected with Wilson disease (PMID: 18373411). This variant has been identified in 2/246916 chromosomes in the general population by the Genome Aggregation Database (gnomAD). The available evidence is insufficient to determine the role of this variant in disease conclusively. Therefore, this variant is classified as a Variant of Uncertain Significance.

Lildballe Lab, Aarhus University Hospital
Classification: Likely pathogenic for Wilson disease. Last evaluated: 2024-08-29. Review status: criteria provided, single submitter. Criteria: ACMG Guidelines, 2015. Collection method: clinical testing. Allele origin: germline. Affected: yes.
Comment: PM1 PP2 PM2 PM5 PP3

All of Us Research Program, National Institutes of Health
Classification: Uncertain significance for Wilson disease. Last evaluated: 2024-04-16. Review status: criteria provided, single submitter. Criteria: ACMG Guidelines, 2015. Collection method: clinical testing. Allele origin: germline. Inheritance: Autosomal recessive inheritance. Observed: 3 variant alleles, 3 heterozygotes.
Comment: This missense variant replaces methionine with isoleucine at codon 1359 of the ATP7B protein. Computational prediction suggests that this variant may have deleterious impact on protein structure and function (internally defined REVEL score threshold >= 0.7, PMID: 27666373). To our knowledge, functional studies have not been reported for this variant. This variant has been reported in an individual affected with Wilson disease (PMID: 18373411). This variant has been identified in 2/246916 chromosomes in the general population by the Genome Aggregation Database (gnomAD). The available evidence is insufficient to determine the role of this variant in disease conclusively. Therefore, this variant is classified as a Variant of Uncertain Significance.

This study involves interpretation of variants in research participants for the purpose of population health screening. Participant phenotype was not available at the time of variant classification. Additional details can be found in publication PMID: 35346344, PMCID: PMC8962531

Fulgent Genetics
Classification: Likely pathogenic for Wilson disease. Last evaluated: 2024-02-28. Review status: criteria provided, single submitter. Criteria: ACMG Guidelines, 2015. Collection method: clinical testing. Allele origin: germline.

Mayo Clinic Laboratories, Mayo Clinic
Classification: Uncertain significance. Last evaluated: 2023-03-28. Review status: criteria provided, single submitter. Criteria: ACMG Guidelines, 2015. Collection method: clinical testing. Allele origin: germline. Observed: 1 variant allele.
Comment: PP3, PM2

Labcorp Genetics (formerly Invitae), Labcorp
Classification: Uncertain significance for Wilson disease. Last evaluated: 2021-08-13. Review status: criteria provided, single submitter. Criteria: Invitae Variant Classification Sherloc (09022015). Collection method: clinical testing. Allele origin: germline.
Comment: This sequence change replaces methionine with isoleucine at codon 1359 of the ATP7B protein (p.Met1359Ile). The methionine residue is highly conserved and there is a small physicochemical difference between methionine and isoleucine. This variant is present in population databases (rs759551693, ExAC 0.003%). This missense change has been observed in individual(s) with Wilson disease for whom no second allele was reported (PMID: 18373411, 20465995). Algorithms developed to predict the effect of missense changes on protein structure and function are either unavailable or do not agree on the potential impact of this missense change (SIFT: "Tolerated"; PolyPhen-2: "Possibly Damaging"; Align-GVGD: "Class C0"). In summary, the available evidence is currently insufficient to determine the role of this variant in disease. Therefore, it has been classified as a Variant of Uncertain Significance.

Literature cited by the submitters: PubMed 33640437 (cited by Natera, Inc.); PubMed 18373411 (cited by 4 submitters); PubMed 35245129 (cited by Color Diagnostics, LLC DBA Color Health); PubMed 20465995 (cited by Mayo Clinic Laboratories, Mayo Clinic and Labcorp Genetics (formerly Invitae), Labcorp); PubMed 22692182 (cited by Mayo Clinic Laboratories, Mayo Clinic); PubMed 24253677 (cited by Mayo Clinic Laboratories, Mayo Clinic).